The following is an entry in ClinVar:

NM_000088.4(COL1A1):c.3208G>A (p.Gly1070Ser)

Gene: COL1A1 (collagen type I alpha 1 chain; minus strand). Cytogenetic location: 17q21.33.
Variant type: single nucleotide variant.
Coding change: c.3208G>A on transcript NM_000088.4 (MANE Select); coding-DNA position 3208, G replaced by A.
Protein change: p.Gly1070Ser; replaces glycine 1070 with serine.
Molecular consequence: missense variant.
Genome position (GRCh38, 1-based): chr17:50,188,149, C>T on the plus strand (G>A on the coding strand, the complement: COL1A1 is on the minus strand). VCF-style: chr17-50188149-C-T. GRCh37 (hg19) VCF-style: chr17-48265510-C-T.
Other names: short protein forms G1070S.
Identifiers: ClinVar variation 373106 (VCV000373106.2), dbSNP rs1057518221, ClinGen allele CA16043047.
Genomic context (GRCh38, chr17:50,188,149, plus strand): 5'-TACTTACGGCGGGGCCACGGGCGCCAACAGGGCCGACAGGACCGGCGGGACCAGCAGGAC[C>T]CTGGGGAGAGCAAGGAAAGCATGAGCTCTTGGCCAGGGAAGGCTGAGGCTGGGGCTGCAG-3'
Protein context (NP_000079.2, residues 1060-1080): AGKSGDRGET[Gly1070Ser]PAGPAGPVGP

ClinVar aggregate classification (germline): Pathogenic (1 of 4 stars; one submission).

Submission:

GeneDx
Classification: Pathogenic. Last evaluated: 2016-11-03. Review status: criteria provided, single submitter. Criteria: GeneDx Variant Classification (06012015). Collection method: clinical testing. Allele origin: germline. Affected: yes.
Comment: The G1070S pathogenic variant in the COL1A1 gene has been reported previously in association with osteogenesis imperfecta; however, data was unavailable for review (Zhao D, et al., 2014; Song Y et al., 2014). G1070S occurs in the triple helical domain and replaces the Glycine in the canonical Gly-X-Y repeat. Variants in these Glycines result in poor winding of the collagen triple helix and a less functional protein.The G1070S variant was not observed in approximately 64000 individuals of European and African American ancestry in the NHLBI Exome Sequencing Project, indicating it is not a common benign variant in these populations. The G1070S variant is a non-conservative amino acid substitution, which is likely to impact secondary protein structure as these residues differ in polarity, charge, size and/or other properties. This substitution occurs at a position that is conserved across species. In silico analysis predicts this variant is probably damaging to the protein structure/function. Other nearby missense variants affecting Glycine residues (G1061D, G1064A, G1076C/S, G1079S) have been reported in the Human Gene Mutation Database in association with osteogenesis imperfecta (Stenson et al., 2014), supporting the functional importance of this region of the protein. Therefore, the presence of this pathogenic variant is consistent with the diagnosis of a COL1A1-related skeletal dysplasia.